The following is an entry in ClinVar:

ClinVar aggregate classification (germline): Pathogenic (1 of 4 stars; one submission).

Conditions:
Naxos disease (NXD). Also called: WOOLLY HAIR, PALMOPLANTAR KERATODERMA, AND CARDIAC ABNORMALITIES; KERATOSIS PALMOPLANTARIS WITH ARRHYTHMOGENIC CARDIOMYOPATHY; MAL DE NAXOS; CARDIOMYOPATHY, ARRHYTHMOGENIC RIGHT VENTRICULAR, WITH SKIN, HAIR, AND NAIL ABNORMALITIES; PALMOPLANTAR KERATODERMA WITH ARRHYTHMOGENIC RIGHT VENTRICULAR CARDIOMYOPATHY AND WOOLLY HAIR. Identifiers: Orphanet 34217, MedGen C1832600, MONDO:0011017, OMIM 601214.
Arrhythmogenic right ventricular dysplasia 12. Also called: ARRHYTHMOGENIC RIGHT VENTRICULAR DYSPLASIA, FAMILIAL, 12. Identifiers: MedGen C1969081, MONDO:0012684, OMIM 611528.

Submission:

Labcorp Genetics (formerly Invitae), Labcorp
Classification: Pathogenic for Arrhythmogenic right ventricular dysplasia 12; Naxos disease. Last evaluated: 2022-05-25. Review status: criteria provided, single submitter. Criteria: Invitae Variant Classification Sherloc (09022015). Collection method: clinical testing. Allele origin: germline.
Comment: This variant is not present in population databases (gnomAD no frequency). This sequence change creates a premature translational stop signal (p.Ala626Glyfs*51) in the JUP gene. It is expected to result in an absent or disrupted protein product. Loss-of-function variants in JUP are known to be pathogenic (PMID: 10902626). This variant has not been reported in the literature in individuals affected with JUP-related conditions. For these reasons, this variant has been classified as Pathogenic.

Literature cited by the submitters: PubMed 10902626.

NM_002230.4(JUP):c.1876dup (p.Ala626fs)

Gene: JUP (junction plakoglobin; minus strand). Cytogenetic location: 17q21.2.
Variant type: Duplication.
Coding change: c.1876dup on transcript NM_002230.4 (MANE Select); coding-DNA position 1876, one base duplicated (G; older notation c.1876dupG).
Protein change: p.Ala626fs; shifts the reading frame from alanine 626.
Molecular consequence: frameshift variant.
Genome position (GRCh38, 1-based): chr17:41,757,682, C duplicated on the plus strand (G on the coding strand, the reverse complement: JUP is on the minus strand); the first of 5 consecutive C bases (chr17:41,757,682-41,757,686); duplicating any one gives the same sequence. VCF-style (leftmost placement, unchanged base first): chr17-41757681-G-GC. GRCh37 (hg19) VCF-style: chr17-39913933-G-GC.
Other names: c.1876dup, p.Ala626fs (NM_001352773.2, NM_001352774.2, NM_001352775.2 and 3 more transcripts); short protein forms A626fs.
Identifiers: ClinVar variation 2195974 (VCV002195974.4), dbSNP rs2544036992, ClinGen allele CA2580093707.